The following is an entry in ClinVar:

NM_001371986.1(UNC80):c.7148T>G (p.Ile2383Ser)

Gene: UNC80 (unc-80 homolog, NALCN channel complex subunit; plus strand). Cytogenetic location: 2q34.
Variant type: single nucleotide variant.
Coding change: c.7148T>G on transcript NM_001371986.1 (MANE Select); coding-DNA position 7148, T replaced by G.
Protein change: p.Ile2383Ser; replaces isoleucine 2383 with serine.
Molecular consequence: missense variant.
Genome position (GRCh38, 1-based): chr2:209,945,148, T>G. VCF-style: chr2-209945148-T-G. GRCh37 (hg19) VCF-style: chr2-210809872-T-G.
Other names: c.6950T>G, p.Ile2317Ser (NM_032504.2); c.6935T>G, p.Ile2312Ser (NM_182587.4); short protein forms I2383S, I2312S, I2317S.
Identifiers: ClinVar variation 1922074 (VCV001922074.3), dbSNP rs764927727, ClinGen allele CA65042994.

ClinVar aggregate classification (germline): Uncertain significance (1 of 4 stars; one submission).

Allele frequency attached by ClinVar (database versions not stated): TOPMed 0.00001.
gnomAD v4.1: 1 of 1,551,520 alleles (0.000064%); highest among the groups gnomAD compares: Admixed American, 0.002%; no homozygotes.

Submission:

Labcorp Genetics (formerly Invitae), Labcorp
Classification: Uncertain significance. Last evaluated: 2022-03-01. Review status: criteria provided, single submitter. Criteria: Invitae Variant Classification Sherloc (09022015). Collection method: clinical testing. Allele origin: germline.
Comment: In summary, the available evidence is currently insufficient to determine the role of this variant in disease. Therefore, it has been classified as a Variant of Uncertain Significance. Algorithms developed to predict the effect of missense changes on protein structure and function are either unavailable or do not agree on the potential impact of this missense change (SIFT: "Not Available"; PolyPhen-2: "Benign"; Align-GVGD: "Not Available"). This variant has not been reported in the literature in individuals affected with UNC80-related conditions. This variant is not present in population databases (gnomAD no frequency). This sequence change replaces isoleucine, which is neutral and non-polar, with serine, which is neutral and polar, at codon 2317 of the UNC80 protein (p.Ile2317Ser).